The following is an entry in ClinVar:

ClinVar aggregate classification (germline): Likely benign. Review status: criteria provided, multiple submitters, no conflicts (2 of 4 stars). 4 submissions from 4 submitters: Likely benign (4). Last evaluated 2026-07-01.

Conditions:
Primary ciliary dyskinesia. Also called: Ciliary dyskinesia. Identifiers: Orphanet 244, MedGen C0008780, MONDO:0016575, HP:0012265.

Allele frequency attached by ClinVar (database versions not stated): 1000 Genomes Project 0.00026.

Submissions (4):

CeGaT Center for Human Genetics Tuebingen
Classification: Likely benign. Last evaluated: 2026-07-01. Review status: criteria provided, single submitter. Criteria: CeGaT Center For Human Genetics Tuebingen Variant Classification Criteria Version 2. Collection method: clinical testing. Allele origin: germline. Affected: yes. Observed: 2 variant alleles.
Comment: RPGR: BP4, BP7

Labcorp Genetics (formerly Invitae), Labcorp
Classification: Likely benign for Primary ciliary dyskinesia. Last evaluated: 2025-12-09. Review status: criteria provided, single submitter. Criteria: Invitae Variant Classification Sherloc (09022015). Collection method: clinical testing. Allele origin: germline.

Blueprint Genetics
Classification: Likely benign. Last evaluated: 2023-11-20. Review status: criteria provided, single submitter. Criteria: ACMG Guidelines, 2015. Collection method: clinical testing. Allele origin: germline.

PreventionGenetics, part of Exact Sciences
Classification: Likely benign. Review status: criteria provided, single submitter. Criteria: ACMG Guidelines, 2015. Collection method: clinical testing. Allele origin: germline.

NM_001034853.2(RPGR):c.2541G>A (p.Gly847=)

Gene: RPGR (retinitis pigmentosa GTPase regulator; minus strand). Cytogenetic location: Xp11.4.
Variant type: single nucleotide variant.
Coding change: c.2541G>A on transcript NM_001034853.2 (MANE Select); coding-DNA position 2541, G replaced by A.
Protein change: p.Gly847=; no amino-acid change (glycine 847 retained).
Molecular consequence: synonymous variant. On other transcripts: intron variant (8).
Genome position (GRCh38, 1-based): chrX:38,286,458, C>T on the plus strand (G>A on the coding strand, the complement: RPGR is on the minus strand). VCF-style: chrX-38286458-C-T. GRCh37 (hg19) VCF-style: chrX-38145711-C-T.
Other names: c.1569+4501G>A (NM_001367249.1, NM_001367250.1); c.1902+636G>A (NM_001367245.1); c.1386+4501G>A (NM_001367251.1); c.1719+636G>A (NM_001367246.1); c.1572+4501G>A (NM_001367247.1); c.1905+636G>A (NM_000328.3); c.1602+4501G>A (NM_001367248.1).
Identifiers: ClinVar variation 257195 (VCV000257195.10), dbSNP rs750364695, ClinGen allele CA10587390.